The following is an entry in ClinVar:

NM_006005.3(WFS1):c.1088dup (p.Val364fs)

Gene: WFS1 (wolframin ER transmembrane glycoprotein; plus strand). Cytogenetic location: 4p16.1.
Variant type: Duplication.
Coding change: c.1088dup on transcript NM_006005.3 (MANE Select); coding-DNA position 1088, one base duplicated (A; older notation c.1088dupA).
Protein change: p.Val364fs; shifts the reading frame from valine 364.
Molecular consequence: frameshift variant.
Genome position (GRCh38, 1-based): chr4:6,300,883, A duplicated; the last of 2 consecutive A bases (chr4:6,300,882-6,300,883); duplicating either gives the same sequence. VCF-style (leftmost placement, unchanged base first): chr4-6300881-C-CA. GRCh37 (hg19) VCF-style: chr4-6302608-C-CA.
Other names: c.1088dup, p.Val364fs (NM_001145853.1); short protein forms V364fs.
Identifiers: ClinVar variation 2779094 (VCV002779094.3), dbSNP rs1319792525, ClinGen allele CA549707896.

ClinVar aggregate classification (germline): Pathogenic (1 of 4 stars; one submission).

Submission:

Labcorp Genetics (formerly Invitae), Labcorp
Classification: Pathogenic. Last evaluated: 2023-07-03. Review status: criteria provided, single submitter. Criteria: Invitae Variant Classification Sherloc (09022015). Collection method: clinical testing. Allele origin: germline.
Comment: For these reasons, this variant has been classified as Pathogenic. This variant disrupts a region of the WFS1 protein in which other variant(s) (p.Gln366*) have been determined to be pathogenic (PMID: 9817917, 17568405, 21602428, 28432734). This suggests that this is a clinically significant region of the protein, and that variants that disrupt it are likely to be disease-causing. This variant has not been reported in the literature in individuals affected with WFS1-related conditions. This variant is present in population databases (no rsID available, gnomAD 0.01%). This sequence change creates a premature translational stop signal (p.Val364Glyfs*179) in the WFS1 gene. While this is not anticipated to result in nonsense mediated decay, it is expected to disrupt the last 527 amino acid(s) of the WFS1 protein.

Literature cited by the submitters: PubMed 9817917; PubMed 17568405; PubMed 21602428; PubMed 28432734.